The following is an entry in ClinVar:

ClinVar aggregate classification (germline): Uncertain significance (1 of 4 stars; one submission).

Conditions:
Tuberous sclerosis 1 (TSC1). Identifiers: Orphanet 805, MedGen C1854465, MONDO:0008612, OMIM 191100.

Submission:

Labcorp Genetics (formerly Invitae), Labcorp
Classification: Uncertain significance for Tuberous sclerosis 1. Last evaluated: 2025-11-27. Review status: criteria provided, single submitter. Criteria: Invitae Variant Classification Sherloc (09022015). Collection method: clinical testing. Allele origin: germline.
Comment: This sequence change replaces lysine, which is basic and polar, with glutamine, which is neutral and polar, at codon 834 of the TSC1 protein (p.Lys834Gln). This variant is not present in population databases (gnomAD no frequency). This variant has not been reported in the literature in individuals affected with TSC1-related conditions. Invitae Evidence Modeling of protein sequence and biophysical properties (such as structural, functional, and spatial information, amino acid conservation, physicochemical variation, residue mobility, and thermodynamic stability) indicates that this missense variant is not expected to disrupt TSC1 protein function with a negative predictive value of 95%. In summary, the available evidence is currently insufficient to determine the role of this variant in disease. Therefore, it has been classified as a Variant of Uncertain Significance.

NM_000368.5(TSC1):c.2500A>C (p.Lys834Gln)

Gene: TSC1 (TSC complex subunit 1; minus strand). Cytogenetic location: 9q34.13.
Variant type: single nucleotide variant.
Coding change: c.2500A>C on transcript NM_000368.5 (MANE Select); coding-DNA position 2500, A replaced by C.
Protein change: p.Lys834Gln; replaces lysine 834 with glutamine.
Molecular consequence: missense variant. On other transcripts: non-coding transcript variant (5), intron variant (8).
Genome position (GRCh38, 1-based): chr9:132,901,591, T>G on the plus strand (A>C on the coding strand, the complement: TSC1 is on the minus strand). VCF-style: chr9-132901591-T-G. GRCh37 (hg19) VCF-style: chr9-135776978-T-G.
Other names: c.2347A>C, p.Lys783Gln (NM_001406610.1, NM_001162427.2); c.2344A>C, p.Lys782Gln (NM_001406611.1, NM_001406612.1); c.2137A>C, p.Lys713Gln (NM_001406614.1, NM_001406615.1, NM_001406616.1 and 4 more transcripts); c.2134A>C, p.Lys712Gln (NM_001406620.1, NM_001406621.1, NM_001406622.1 and 1 more transcripts); c.2094+40A>C (NM_001406625.1); c.2304+40A>C (NM_001406613.1); c.2457+40A>C (NM_001406609.1, NM_001406608.1); c.2460+40A>C (NM_001406606.1, NM_001406607.1, NM_001406605.1); and 8 more; short protein forms K483Q, K517Q, K782Q, K783Q, K833Q, K712Q, K713Q, K828Q.
Identifiers: ClinVar variation 4709627 (VCV004709627.1).
Genomic context (GRCh38, chr9:132,901,591, plus strand): 5'-GGAAGAATGTTAGCAAATGGTGTTTCAGCAGATTCAGGTCTGCCTCATTTCTTCTTACCT[T>G]TTGGGAAACCTGACTGAGCAGCAGCTCAGTGTGACACACCTTGTTGTTGGCCTTCTTCAG-3'
Protein context (NP_000359.1, residues 824-844): TELLLSQVSQ[Lys834Gln]LSNSESVQQQ